The following is an entry in ClinVar:

NM_177438.3(DICER1):c.2716C>T (p.Arg906Cys)

Gene: DICER1 (dicer 1, ribonuclease III; minus strand). Cytogenetic location: 14q32.13.
Variant type: single nucleotide variant.
Coding change: c.2716C>T on transcript NM_177438.3 (MANE Select); coding-DNA position 2716, C replaced by T.
Protein change: p.Arg906Cys; replaces arginine 906 with cysteine.
Molecular consequence: missense variant.
Genome position (GRCh38, 1-based): chr14:95,107,696, G>A on the plus strand (C>T on the coding strand, the complement: DICER1 is on the minus strand). VCF-style: chr14-95107696-G-A. GRCh37 (hg19) VCF-style: chr14-95574033-G-A.
Other names: c.2716C>T, p.Arg906Cys (NM_001195573.1, NM_001271282.3, NM_001291628.2 and 1 more transcripts); short protein forms R906C.
Identifiers: ClinVar variation 543590 (VCV000543590.14), dbSNP rs770335698, ClinGen allele CA7331190.

ClinVar aggregate classification (germline): Uncertain significance. Review status: criteria provided, multiple submitters, no conflicts (2 of 4 stars). 2 submissions from 2 submitters: Uncertain significance (2). Last evaluated 2025-10-24.

Conditions:
DICER1-related tumor predisposition. Also called: DICER1-related pleuropulmonary blastoma cancer predisposition syndrome; DICER1 syndrome. Identifiers: Orphanet 284343, MedGen C3839822, MONDO:0100216.
Hereditary cancer-predisposing syndrome. Also called: Neoplastic Syndromes, Hereditary; Tumor predisposition; Hereditary Cancer Syndrome; Hereditary neoplastic syndrome. Identifiers: Orphanet 140162, MedGen C0027672, MeSH D009386, MONDO:0015356.

Allele frequency attached by ClinVar (database versions not stated): gnomAD exomes below 0.00001 and 0.00002; gnomAD 0.00001; ExAC 0.00002; TOPMed 0.00002.
gnomAD v4.1: 4 of 1,611,964 alleles (0.00025%); highest among the groups gnomAD compares: Admixed American, 0.0017%; no homozygotes.

Submissions (2):

Ambry Genetics
Classification: Uncertain significance for Hereditary cancer-predisposing syndrome. Last evaluated: 2025-10-24. Review status: criteria provided, single submitter. Criteria: Ambry Variant Classification Scheme 2023. Collection method: clinical testing. Allele origin: germline.
Comment: The p.R906C variant (also known as c.2716C>T), located in coding exon 16 of the DICER1 gene, results from a C to T substitution at nucleotide position 2716. The arginine at codon 906 is replaced by cysteine, an amino acid with highly dissimilar properties. This amino acid position is conserved. In addition, the in silico prediction for this alteration is inconclusive. Since supporting evidence is limited at this time, the clinical significance of this alteration remains unclear.

Labcorp Genetics (formerly Invitae), Labcorp
Classification: Uncertain significance for DICER1-related tumor predisposition. Last evaluated: 2022-07-26. Review status: criteria provided, single submitter. Criteria: Invitae Variant Classification Sherloc (09022015). Collection method: clinical testing. Allele origin: germline.
Comment: Algorithms developed to predict the effect of missense changes on protein structure and function are either unavailable or do not agree on the potential impact of this missense change (SIFT: "Deleterious"; PolyPhen-2: "Probably Damaging"; Align-GVGD: "Class C15"). In summary, the available evidence is currently insufficient to determine the role of this variant in disease. Therefore, it has been classified as a Variant of Uncertain Significance. This sequence change replaces arginine, which is basic and polar, with cysteine, which is neutral and slightly polar, at codon 906 of the DICER1 protein (p.Arg906Cys). This variant is present in population databases (rs770335698, gnomAD 0.01%). This variant has not been reported in the literature in individuals affected with DICER1-related conditions. ClinVar contains an entry for this variant (Variation ID: 543590).